The following is an entry in ClinVar:

NM_003000.3(SDHB):c.620_621del (p.Leu207fs)

Gene: SDHB (succinate dehydrogenase complex iron sulfur subunit B; minus strand). Cytogenetic location: 1p36.13.
Variant type: Deletion.
Coding change: c.620_621del on transcript NM_003000.3 (MANE Select); coding-DNA positions 620 to 621, 2 bases deleted (TG; older notation c.620_621delTG).
Protein change: p.Leu207fs; shifts the reading frame from leucine 207.
Molecular consequence: frameshift variant.
Genome position (GRCh38, 1-based): chr1:17,023,994-17,023,995, CA deleted on the plus strand (TG on the coding strand, the reverse complement: SDHB is on the minus strand). VCF-style (leftmost placement, unchanged base first): chr1-17023993-CCA-C. GRCh37 (hg19) VCF-style: chr1-17350488-CCA-C.
Other names: c.620_621delTG (NM_003000.2); short protein forms L207fs.
Identifiers: ClinVar variation 412454 (VCV000412454.8), dbSNP rs1060503752, ClinGen allele CA16609920.

ClinVar aggregate classification (germline): Pathogenic. Review status: criteria provided, multiple submitters, no conflicts (2 of 4 stars). 3 submissions from 3 submitters: Pathogenic (3). Last evaluated 2025-07-22.

Conditions:
Pheochromocytoma. Also called: MAX-Related Hereditary Paraganglioma-Pheochromocytoma Syndrome. Identifiers: Orphanet 29072, MedGen C0031511, MONDO:0008233, OMIM 171300, HP:0002666.
Pheochromocytoma/paraganglioma syndrome 4. Also called: SDHB-Related Hereditary Paraganglioma-Pheochromocytoma Syndrome; CAROTID BODY TUMORS AND MULTIPLE EXTRAADRENAL PHEOCHROMOCYTOMAS; PARAGANGLIOMA, FAMILIAL MALIGNANT; PARAGANGLIOMAS, HEREDITARY EXTRAADRENAL; PHEOCHROMOCYTOMA, FAMILIAL EXTRAADRENAL; SDHB-Related Hereditary Paraganglioma-Pheochromocytoma Syndrome (Paragangliomas 4). Identifiers: Orphanet 29072, MedGen C1861848, MONDO:0007273, OMIM 115310.
Hereditary cancer-predisposing syndrome. Also called: Hereditary neoplastic syndrome; Neoplastic Syndromes, Hereditary; Hereditary Cancer Syndrome; Tumor predisposition. Identifiers: Orphanet 140162, MedGen C0027672, MeSH D009386, MONDO:0015356.
Gastrointestinal stromal tumor. Also called: Gastrointestinal stroma tumor; Gastrointestinal stromal tumor, somatic. Identifiers: Orphanet 44890, MedGen C0238198, MeSH D046152, MONDO:0011719, OMIM 606764, HP:0100723.

Submissions (3):

Ambry Genetics
Classification: Pathogenic for Hereditary cancer-predisposing syndrome. Last evaluated: 2025-07-22. Review status: criteria provided, single submitter. Criteria: Ambry Variant Classification Scheme 2023. Collection method: clinical testing. Allele origin: germline.
Comment: The c.620_621delTG pathogenic mutation, located in coding exon 6 of the SDHB gene, results from a deletion of two nucleotides at nucleotide positions 620 to 621, causing a translational frameshift with a predicted alternate stop codon (p.L207Rfs*14). This variant was reported in individual(s) with features consistent with SDHB-related hereditary pheochromocytoma-paraganglioma (Benn DE et al. J Clin Endocrinol Metab, 2006 Mar;91:827-36; Burnichon N et al. J Clin Endocrinol Metab, 2009 Aug;94:2817-27; Chew WHW et al. Mol Genet Genomic Med, 2017 Sep;5:602-607). This variant is considered to be rare based on population cohorts in the Genome Aggregation Database (gnomAD). This alteration is expected to result in loss of function by premature protein truncation or nonsense-mediated mRNA decay. As such, this alteration is interpreted as a disease-causing mutation.

Labcorp Genetics (formerly Invitae), Labcorp
Classification: Pathogenic for Gastrointestinal stromal tumor; Pheochromocytoma/paraganglioma syndrome 4; Pheochromocytoma. Last evaluated: 2023-03-02. Review status: criteria provided, single submitter. Criteria: Invitae Variant Classification Sherloc (09022015). Collection method: clinical testing. Allele origin: germline.
Comment: This sequence change creates a premature translational stop signal (p.Leu207Argfs*14) in the SDHB gene. It is expected to result in an absent or disrupted protein product. Loss-of-function variants in SDHB are known to be pathogenic (PMID: 19454582, 19802898). This variant is not present in population databases (gnomAD no frequency). This premature translational stop signal has been observed in individual(s) with pheochromocytomas (PCC) and/or paragangliomas (PGL) (PMID: 14500403, 16314641, 19454582, 25405498, 30877234). This variant is also known as 754–755 del TG. ClinVar contains an entry for this variant (Variation ID: 412454). For these reasons, this variant has been classified as Pathogenic.

Juno Genomics, Hangzhou Juno Genomics, Inc
Classification: Pathogenic for Pheochromocytoma/paraganglioma syndrome 4; Pheochromocytoma. Review status: criteria provided, single submitter. Criteria: ACMG Guidelines, 2015. Collection method: clinical testing. Allele origin: germline.
Comment: Null variant in a gene where loss of function (LOF) is a known mechanism of disease.;Absent from controls (or at extremely low frequency if recessive) in Genome Aggregation Database.;The prevalence of the variant in affected individuals is significantly increased compared to the prevalence in controls.

Literature cited by the submitters: PubMed 16317055 (cited by Ambry Genetics); PubMed 19454582 (cited by Ambry Genetics and Labcorp Genetics (formerly Invitae), Labcorp); PubMed 28944243 (cited by Ambry Genetics); PubMed 19802898 (cited by Labcorp Genetics (formerly Invitae), Labcorp); PubMed 14500403 (cited by Labcorp Genetics (formerly Invitae), Labcorp); PubMed 16314641 (cited by Labcorp Genetics (formerly Invitae), Labcorp); PubMed 25405498 (cited by Labcorp Genetics (formerly Invitae), Labcorp); PubMed 30877234 (cited by Labcorp Genetics (formerly Invitae), Labcorp).